The following is an entry in ClinVar:

ClinVar aggregate classification (germline): Uncertain significance (1 of 4 stars; one submission).

Conditions:
Mucopolysaccharidosis, MPS-IV-A (MPS4A). Also called: MPS IVA; GALACTOSAMINE-6-SULFATASE DEFICIENCY; GALNS DEFICIENCY; MORQUIO A DISEASE; Morquio syndrome A, mild; MORQUIO SYNDROME A. Identifiers: Orphanet 309297, Orphanet 582, MedGen C0086651, MONDO:0009659, OMIM 253000.

Allele frequency attached by ClinVar (database versions not stated): gnomAD exomes 0.00001.

Submission:

Labcorp Genetics (formerly Invitae), Labcorp
Classification: Uncertain significance for Mucopolysaccharidosis, MPS-IV-A. Last evaluated: 2024-03-11. Review status: criteria provided, single submitter. Criteria: Invitae Variant Classification Sherloc (09022015). Collection method: clinical testing. Allele origin: germline.
Comment: This sequence change replaces threonine, which is neutral and polar, with arginine, which is basic and polar, at codon 8 of the GALNS protein (p.Thr8Arg). This variant is not present in population databases (gnomAD no frequency). This variant has not been reported in the literature in individuals affected with GALNS-related conditions. ClinVar contains an entry for this variant (Variation ID: 1440592). Advanced modeling of protein sequence and biophysical properties (such as structural, functional, and spatial information, amino acid conservation, physicochemical variation, residue mobility, and thermodynamic stability) has been performed at Invitae for this missense variant, however the output from this modeling did not meet the statistical confidence thresholds required to predict the impact of this variant on GALNS protein function. In summary, the available evidence is currently insufficient to determine the role of this variant in disease. Therefore, it has been classified as a Variant of Uncertain Significance.

NM_000512.5(GALNS):c.23C>G (p.Thr8Arg)

Genes: GALNS (galactosamine (N-acetyl)-6-sulfatase; minus strand), TRAPPC2L (trafficking protein particle complex subunit 2L; plus strand), LOC130059762 (ATAC-STARR-seq lymphoblastoid silent region 7883; plus strand). Cytogenetic location: 16q24.3.
Variant type: single nucleotide variant.
Coding change: c.23C>G on transcript NM_000512.5 (MANE Select); coding-DNA position 23, C replaced by G.
Protein change: p.Thr8Arg; replaces threonine 8 with arginine.
Molecular consequence: missense variant. On other transcripts: 5 prime UTR variant (2).
Genome position (GRCh38, 1-based): chr16:88,856,855, G>C on the plus strand (C>G on the coding strand, the complement: GALNS is on the minus strand). VCF-style: chr16-88856855-G-C. GRCh37 (hg19) VCF-style: chr16-88923263-G-C.
Other names: c.-409C>G (NM_001323543.2); c.-130C>G (NM_001323544.2); short protein forms T8R.
Identifiers: ClinVar variation 1440592 (VCV001440592.5), dbSNP rs2143013653, ClinGen allele CA397102159.
Genomic context (GRCh38, chr16:88,856,855, plus strand): 5'-GGGGCGCCCGAGGCCCCCATCCCCGCGGCGCTGAGCACCAGCAACAGCTGCCACCACCTC[G>C]TCGCCGCGACAACCGCCGCCATGGCAACCACGGGAGCCGCGGAGCCCCGGCCAGCGAGCC-3'
Protein context (NP_000503.1, residues 1-18): MAAVVAA[Thr8Arg]RWWQLLLVLS